The following is an entry in ClinVar:

ClinVar aggregate classification (germline): Uncertain significance. Review status: criteria provided, multiple submitters, no conflicts (2 of 4 stars). 4 submissions from 4 submitters: Uncertain significance (4). Last evaluated 2025-11-02.

Conditions:
Hereditary cancer-predisposing syndrome. Also called: Neoplastic Syndromes, Hereditary; Tumor predisposition; Hereditary neoplastic syndrome; Hereditary Cancer Syndrome. Identifiers: Orphanet 140162, MedGen C0027672, MeSH D009386, MONDO:0015356.
Classic or attenuated familial adenomatous polyposis. Identifiers: MedGen CN372698, MONDO:0021057.
Familial adenomatous polyposis 1 (FAP1). Also called: POLYPOSIS, ADENOMATOUS INTESTINAL; FAMILIAL ADENOMATOUS POLYPOSIS 1, ATTENUATED. Identifiers: MedGen C2713442, MONDO:0021056, OMIM 175100. Disease mechanism: loss of function.

Allele frequency attached by ClinVar (database versions not stated): gnomAD exomes below 0.00001; TOPMed below 0.00001.
gnomAD v4.1: 3 of 1,613,152 alleles (0.00019%); highest among the groups gnomAD compares: Non-Finnish European, 0.00017%; no homozygotes.

Submissions (4):

Ambry Genetics
Classification: Uncertain significance for Hereditary cancer-predisposing syndrome. Last evaluated: 2025-11-02. Review status: criteria provided, single submitter. Criteria: Ambry Variant Classification Scheme 2023. Collection method: clinical testing. Allele origin: germline.
Comment: The p.T2367I variant (also known as c.7100C>T), located in coding exon 15 of the APC gene, results from a C to T substitution at nucleotide position 7100. The threonine at codon 2367 is replaced by isoleucine, an amino acid with similar properties. This amino acid position is well conserved in available vertebrate species. In addition, in silico predictors for this gene do not accurately predict pathogenicity. Since supporting evidence is limited at this time, the clinical significance of this alteration remains unclear.

Labcorp Genetics (formerly Invitae), Labcorp
Classification: Uncertain significance for Familial adenomatous polyposis 1. Last evaluated: 2024-10-07. Review status: criteria provided, single submitter. Criteria: Invitae Variant Classification Sherloc (09022015). Collection method: clinical testing. Allele origin: germline.
Comment: This sequence change replaces threonine, which is neutral and polar, with isoleucine, which is neutral and non-polar, at codon 2367 of the APC protein (p.Thr2367Ile). This variant is not present in population databases (gnomAD no frequency). This variant has not been reported in the literature in individuals affected with APC-related conditions. ClinVar contains an entry for this variant (Variation ID: 826840). Invitae Evidence Modeling of protein sequence and biophysical properties (such as structural, functional, and spatial information, amino acid conservation, physicochemical variation, residue mobility, and thermodynamic stability) indicates that this missense variant is not expected to disrupt APC protein function with a negative predictive value of 95%. In summary, the available evidence is currently insufficient to determine the role of this variant in disease. Therefore, it has been classified as a Variant of Uncertain Significance.

All of Us Research Program, National Institutes of Health
Classification: Uncertain significance for Classic or attenuated familial adenomatous polyposis. Last evaluated: 2023-04-10. Review status: criteria provided, single submitter. Criteria: ACMG Guidelines, 2015. Collection method: clinical testing. Allele origin: germline. Inheritance: Autosomal dominant inheritance. Observed: 1 variant allele, 1 heterozygote.
Comment: This missense variant replaces threonine with isoleucine at codon 2367 of the APC protein. Computational prediction suggests that this variant may not impact protein structure and function (internally defined REVEL score threshold <= 0.5, PMID: 27666373). To our knowledge, functional studies have not been reported for this variant. This variant has not been reported in individuals affected with APC-related disorders in the literature. This variant has not been identified in the general population by the Genome Aggregation Database (gnomAD). The available evidence is insufficient to determine the role of this variant in disease conclusively. Therefore, this variant is classified as a Variant of Uncertain Significance.

This study involves interpretation of variants in research participants for the purpose of population health screening. Participant phenotype was not available at the time of variant classification. Additional details can be found in publication PMID: 35346344, PMCID: PMC8962531

Color Diagnostics, LLC DBA Color Health
Classification: Uncertain significance for Hereditary cancer-predisposing syndrome. Last evaluated: 2023-03-30. Review status: criteria provided, single submitter. Criteria: ACMG Guidelines, 2015. Collection method: clinical testing. Allele origin: germline.
Comment: This missense variant replaces threonine with isoleucine at codon 2367 of the APC protein. Computational prediction suggests that this variant may not impact protein structure and function (internally defined REVEL score threshold <= 0.5, PMID: 27666373). To our knowledge, functional studies have not been reported for this variant. This variant has not been reported in individuals affected with APC-related disorders in the literature. This variant has not been identified in the general population by the Genome Aggregation Database (gnomAD). The available evidence is insufficient to determine the role of this variant in disease conclusively. Therefore, this variant is classified as a Variant of Uncertain Significance.

NM_000038.6(APC):c.7100C>T (p.Thr2367Ile)

Gene: APC (APC regulator of Wnt signaling pathway; plus strand). Cytogenetic location: 5q22.2.
Variant type: single nucleotide variant.
Coding change: c.7100C>T on transcript NM_000038.6 (MANE Select); coding-DNA position 7100, C replaced by T.
Protein change: p.Thr2367Ile; replaces threonine 2367 with isoleucine.
Molecular consequence: missense variant.
Genome position (GRCh38, 1-based): chr5:112,842,694, C>T. VCF-style: chr5-112842694-C-T. GRCh37 (hg19) VCF-style: chr5-112178391-C-T.
Other names: c.7100C>T, p.Thr2367Ile (NM_001127510.3, NM_001354895.2); c.7046C>T, p.Thr2349Ile (NM_001127511.3); c.7154C>T, p.Thr2385Ile (NM_001354896.2); c.7130C>T, p.Thr2377Ile (NM_001354897.2); c.7025C>T, p.Thr2342Ile (NM_001354898.2); c.7016C>T, p.Thr2339Ile (NM_001354899.2); c.6977C>T, p.Thr2326Ile (NM_001354900.2); c.6923C>T, p.Thr2308Ile (NM_001354901.2); and 5 more; short protein forms T2308I, T2377I, T2207I, T2266I, T2276I, T2339I, T2326I, T2342I.
Identifiers: ClinVar variation 826840 (VCV000826840.59), dbSNP rs1580678473, ClinGen allele CA16036798.